The following is an entry in ClinVar:

ClinVar aggregate classification (germline): Pathogenic (1 of 4 stars; one submission).

Submission:

GeneDx
Classification: Pathogenic. Last evaluated: 2019-11-12. Review status: criteria provided, single submitter. Criteria: GeneDx Variant Classification Process June 2021. Collection method: clinical testing. Allele origin: germline. Affected: yes.
Comment: Frameshift variant predicted to result in protein truncation or nonsense mediated decay in a gene for which loss-of-function is a known mechanism of disease; Not observed in large population cohorts (Lek et al., 2016); Has not been previously published as pathogenic or benign to our knowledge

NM_000475.5(NR0B1):c.580del (p.Ala194fs)

Gene: NR0B1 (nuclear receptor subfamily 0 group B member 1; minus strand). Cytogenetic location: Xp21.2.
Variant type: Deletion.
Coding change: c.580del on transcript NM_000475.5 (MANE Select); coding-DNA position 580, one base deleted (G; older notation c.580delG).
Protein change: p.Ala194fs; shifts the reading frame from alanine 194.
Molecular consequence: frameshift variant.
Genome position (GRCh38, 1-based): chrX:30,308,784, C deleted on the plus strand (G on the coding strand, the reverse complement: NR0B1 is on the minus strand); the first of 2 consecutive C bases (chrX:30,308,784-30,308,785); deleting either gives the same sequence. VCF-style (leftmost placement, unchanged base first): chrX-30308783-GC-G. GRCh37 (hg19) VCF-style: chrX-30326900-GC-G.
Other names: c.580delG (NM_000475.4); short protein forms A194fs.
Identifiers: ClinVar variation 372436 (VCV000372436.3), dbSNP rs1057517778, ClinGen allele CA16043261.